The following is an entry in ClinVar:

NM_020433.5(JPH2):c.361G>A (p.Glu121Lys)

Gene: JPH2 (junctophilin 2; minus strand). Cytogenetic location: 20q13.12.
Variant type: single nucleotide variant.
Coding change: c.361G>A on transcript NM_020433.5 (MANE Select); coding-DNA position 361, G replaced by A.
Protein change: p.Glu121Lys; replaces glutamic acid 121 with lysine.
Molecular consequence: missense variant.
Genome position (GRCh38, 1-based): chr20:44,186,345, C>T on the plus strand (G>A on the coding strand, the complement: JPH2 is on the minus strand). VCF-style: chr20-44186345-C-T. GRCh37 (hg19) VCF-style: chr20-42814985-C-T.
Other names: c.361G>A, p.Glu121Lys (NM_175913.4); short protein forms E121K.
Identifiers: ClinVar variation 579578 (VCV000579578.12), dbSNP rs1569226231, ClinGen allele CA409094959.

ClinVar aggregate classification (germline): Uncertain significance. Review status: criteria provided, multiple submitters, no conflicts (2 of 4 stars). 3 submissions from 3 submitters: Uncertain significance (3). Last evaluated 2025-07-21.

Conditions:
Hypertrophic cardiomyopathy. Also called: HYPERTROPHIC MYOCARDIOPATHY. Identifiers: Orphanet 217569, MedGen C0007194, MeSH D002312, MONDO:0005045, HP:0001639.
Hypertrophic cardiomyopathy 17. Identifiers: MedGen C3151264, MONDO:0013474, OMIM 613873.
Cardiomyopathy, dilated, 2E. Identifiers: MedGen C5561970, MONDO:0030366, OMIM 619492.
Cardiovascular phenotype. Identifiers: MedGen CN230736.

Allele frequency attached by ClinVar (database versions not stated): gnomAD exomes below 0.00001.
gnomAD v4.1: 2 of 1,611,900 alleles (0.00012%); highest among the groups gnomAD compares: Non-Finnish European, 0.000085%; no homozygotes.

Submissions (3):

Ambry Genetics
Classification: Uncertain significance for Cardiovascular phenotype. Last evaluated: 2025-07-21. Review status: criteria provided, single submitter. Criteria: Ambry Variant Classification Scheme 2023. Collection method: clinical testing. Allele origin: germline.
Comment: The p.E121K variant (also known as c.361G>A), located in coding exon 1 of the JPH2 gene, results from a G to A substitution at nucleotide position 361. The glutamic acid at codon 121 is replaced by lysine, an amino acid with similar properties. This amino acid position is highly conserved in available vertebrate species. In addition, the in silico prediction for this alteration is inconclusive. Since supporting evidence is limited at this time, the clinical significance of this alteration remains unclear.

Fulgent Genetics
Classification: Uncertain significance for Hypertrophic cardiomyopathy 17; Cardiomyopathy, dilated, 2E. Last evaluated: 2021-09-21. Review status: criteria provided, single submitter. Criteria: ACMG Guidelines, 2015. Collection method: clinical testing. Allele origin: unknown.

Labcorp Genetics (formerly Invitae), Labcorp
Classification: Uncertain significance for Hypertrophic cardiomyopathy. Last evaluated: 2018-04-15. Review status: criteria provided, single submitter. Criteria: Invitae Variant Classification Sherloc (09022015). Collection method: clinical testing. Allele origin: germline.
Comment: This variant is not present in population databases (ExAC no frequency). This variant has not been reported in the literature in individuals with JPH2-related disease. Algorithms developed to predict the effect of missense changes on protein structure and function (SIFT, PolyPhen-2, Align-GVGD) all suggest that this variant is likely to be disruptive, but these predictions have not been confirmed by published functional studies and their clinical significance is uncertain. In summary, the available evidence is currently insufficient to determine the role of this variant in disease. Therefore, it has been classified as a Variant of Uncertain Significance. This sequence change replaces glutamic acid with lysine at codon 121 of the JPH2 protein (p.Glu121Lys). The glutamic acid residue is highly conserved and there is a small physicochemical difference between glutamic acid and lysine.